The following is an entry in ClinVar:

NM_022436.3(ABCG5):c.1165C>T (p.Arg389Cys)

Genes: ABCG5 (ATP binding cassette subfamily G member 5; minus strand), DYNC2LI1 (dynein cytoplasmic 2 light intermediate chain 1; plus strand). Cytogenetic location: 2p21.
Variant type: single nucleotide variant.
Coding change: c.1165C>T on transcript NM_022436.3 (MANE Select); coding-DNA position 1165, C replaced by T.
Protein change: p.Arg389Cys; replaces arginine 389 with cysteine.
Molecular consequence: missense variant. On other transcripts: intron variant (2).
Genome position (GRCh38, 1-based): chr2:43,824,072, G>A on the plus strand (C>T on the coding strand, the complement: ABCG5 is on the minus strand). VCF-style: chr2-43824072-G-A. GRCh37 (hg19) VCF-style: chr2-44051211-G-A.
Other names: c.*16-3314G>A (NM_001348913.2, NM_001348912.2); short protein forms R389C.
Identifiers: ClinVar variation 2159795 (VCV002159795.3), dbSNP rs759461453, ClinGen allele CA1636378.
Genomic context (GRCh38, chr2:43,824,072, plus strand): 5'-TTCGGACCCGCAGAACGAAGAAAAGGAGGAACAAACCCATGATCAGATTCTGAAGGAGAC[G>A]CGTAATCACTGCCAGCTTATTTCTCACCAAGTTTCTTGTCACTCTCCTGAAAACAAACAA-3'
Protein context (NP_071881.1, residues 379-399): LVRNKLAVIT[Arg389Cys]LLQNLIMGLF

ClinVar aggregate classification (germline): Uncertain significance (1 of 4 stars; one submission).

Conditions:
Sitosterolemia (STSL). Also called: PHYTOSTEROLEMIA. Identifiers: Orphanet 2882, MedGen C0342907, MONDO:0008863.

Allele frequency attached by ClinVar (database versions not stated): TOPMed below 0.00001; ExAC 0.00002.
gnomAD v4.1: 14 of 1,614,164 alleles (0.00087%); highest among the groups gnomAD compares: Middle Eastern, 0.016%; no homozygotes.

Submission:

Labcorp Genetics (formerly Invitae), Labcorp
Classification: Uncertain significance for Sitosterolemia. Last evaluated: 2022-07-22. Review status: criteria provided, single submitter. Criteria: Invitae Variant Classification Sherloc (09022015). Collection method: clinical testing. Allele origin: germline.
Comment: This variant has not been reported in the literature in individuals affected with ABCG5-related conditions. In summary, the available evidence is currently insufficient to determine the role of this variant in disease. Therefore, it has been classified as a Variant of Uncertain Significance. Algorithms developed to predict the effect of missense changes on protein structure and function are either unavailable or do not agree on the potential impact of this missense change (SIFT: "Deleterious"; PolyPhen-2: "Probably Damaging"; Align-GVGD: "Class C0"). This variant is present in population databases (rs759461453, gnomAD 0.009%). This sequence change replaces arginine, which is basic and polar, with cysteine, which is neutral and slightly polar, at codon 389 of the ABCG5 protein (p.Arg389Cys).